The following is an entry in ClinVar:

ClinVar aggregate classification (germline): Uncertain significance (1 of 4 stars; one submission).

Conditions:
Hereditary cancer-predisposing syndrome. Also called: Hereditary Cancer Syndrome; Tumor predisposition; Hereditary neoplastic syndrome; Neoplastic Syndromes, Hereditary. Identifiers: Orphanet 140162, MedGen C0027672, MeSH D009386, MONDO:0015356.

Submission:

Ambry Genetics
Classification: Uncertain significance for Hereditary cancer-predisposing syndrome. Last evaluated: 2024-05-11. Review status: criteria provided, single submitter. Criteria: Ambry Variant Classification Scheme 2023. Collection method: clinical testing. Allele origin: germline.
Comment: The p.E1128V variant (also known as c.3383A>T), located in coding exon 19 of the BRIP1 gene, results from an A to T substitution at nucleotide position 3383. The glutamic acid at codon 1128 is replaced by valine, an amino acid with dissimilar properties. This amino acid position is conserved. In addition, this alteration is predicted to be tolerated by in silico analysis. Based on the available evidence, the clinical significance of this variant remains unclear.

NM_032043.3(BRIP1):c.3383A>T (p.Glu1128Val)

Gene: BRIP1 (BRCA1 interacting DNA helicase 1; minus strand). Cytogenetic location: 17q23.2.
Variant type: single nucleotide variant.
Coding change: c.3383A>T on transcript NM_032043.3 (MANE Select); coding-DNA position 3383, A replaced by T.
Protein change: p.Glu1128Val; replaces glutamic acid 1128 with valine.
Molecular consequence: missense variant.
Genome position (GRCh38, 1-based): chr17:61,683,663, T>A on the plus strand (A>T on the coding strand, the complement: BRIP1 is on the minus strand). VCF-style: chr17-61683663-T-A. GRCh37 (hg19) VCF-style: chr17-59761024-T-A.
Other names: short protein forms E1128V.
Identifiers: ClinVar variation 3261817 (VCV003261817.1).